The following is an entry in ClinVar:

NM_000057.4(BLM):c.763A>G (p.Ser255Gly)

Gene: BLM (BLM RecQ like helicase; plus strand). Cytogenetic location: 15q26.1.
Variant type: single nucleotide variant.
Coding change: c.763A>G on transcript NM_000057.4 (MANE Select); coding-DNA position 763, A replaced by G.
Protein change: p.Ser255Gly; replaces serine 255 with glycine.
Molecular consequence: missense variant. On other transcripts: 5 prime UTR variant (1).
Genome position (GRCh38, 1-based): chr15:90,750,031, A>G. VCF-style: chr15-90750031-A-G. GRCh37 (hg19) VCF-style: chr15-91293261-A-G.
Other names: c.763A>G (NM_000057.2); c.763A>G, p.Ser255Gly (NM_001287246.2, NM_001287247.2); c.-529A>G (NM_001287248.2); short protein forms S255G.
Identifiers: ClinVar variation 568392 (VCV000568392.11), dbSNP rs1567035814, ClinGen allele CA393841508.

ClinVar aggregate classification (germline): Uncertain significance. Review status: criteria provided, multiple submitters, no conflicts (2 of 4 stars). 4 submissions from 4 submitters: Uncertain significance (3). 1 of the submissions does not count toward it. Last evaluated 2024-04-01.

Conditions:
Bloom syndrome (BLM). Also called: Bloom-Torre-Machacek syndrome. Identifiers: Orphanet 125, MedGen C0005859, MONDO:0008876, OMIM 210900.
Hereditary cancer-predisposing syndrome. Also called: Neoplastic Syndromes, Hereditary; Tumor predisposition; Hereditary neoplastic syndrome; Hereditary Cancer Syndrome. Identifiers: Orphanet 140162, MedGen C0027672, MeSH D009386, MONDO:0015356.

Allele frequency attached by ClinVar (database versions not stated): gnomAD 0.00001.
gnomAD v4.1: 1 of 1,614,110 alleles (0.000062%); highest among the groups gnomAD compares: Non-Finnish European, 0.000085%; no homozygotes.

Submissions (4):

Labcorp Genetics (formerly Invitae), Labcorp
Classification: Uncertain significance for Bloom syndrome. Last evaluated: 2024-04-01. Review status: criteria provided, single submitter. Criteria: Invitae Variant Classification Sherloc (09022015). Collection method: clinical testing. Allele origin: germline.
Comment: This sequence change replaces serine, which is neutral and polar, with glycine, which is neutral and non-polar, at codon 255 of the BLM protein (p.Ser255Gly). This variant is not present in population databases (gnomAD no frequency). This variant has not been reported in the literature in individuals affected with BLM-related conditions. ClinVar contains an entry for this variant (Variation ID: 568392). Algorithms developed to predict the effect of missense changes on protein structure and function output the following: SIFT: "Not Available"; PolyPhen-2: "Benign"; Align-GVGD: "Not Available". The glycine amino acid residue is found in multiple mammalian species, which suggests that this missense change does not adversely affect protein function. In summary, the available evidence is currently insufficient to determine the role of this variant in disease. Therefore, it has been classified as a Variant of Uncertain Significance.

Ambry Genetics
Classification: Uncertain significance for Hereditary cancer-predisposing syndrome. Last evaluated: 2024-03-27. Review status: criteria provided, single submitter. Criteria: Ambry Variant Classification Scheme 2023. Collection method: clinical testing. Allele origin: germline.
Comment: The p.S255G variant (also known as c.763A>G), located in coding exon 2 of the BLM gene, results from an A to G substitution at nucleotide position 763. The serine at codon 255 is replaced by glycine, an amino acid with similar properties. This amino acid position is conserved. In addition, this alteration is predicted to be tolerated by in silico analysis. Since supporting evidence is limited at this time, the clinical significance of this alteration remains unclear.

Sema4
Classification: Uncertain significance for Hereditary cancer-predisposing syndrome. Last evaluated: 2021-09-03. Review status: criteria provided, single submitter. Criteria: Sema4 Curation Guidelines. Collection method: curation. Allele origin: germline.
Comment: The BLM c.763A>G (p.S255G) variant has not been reported in the literature to our knowledge. It was not observed in the large and broad cohorts of the Genome Aggregation Database (PMID: 32461654). The variant has been reported in ClinVar (Variation ID 568392). In silico tools suggest the impact of the variant on protein function is benign, though these predictions have not been confirmed by functional studies. The evidence is insufficient to meet ACMG/AMP criteria for classifying the variant as benign or pathogenic. Thus, the clinical significance of this variant is currently uncertain.

Natera, Inc.
Classification: Uncertain significance for Bloom syndrome. Last evaluated: 2020-01-24. Review status: no assertion criteria provided. Collection method: clinical testing. Allele origin: germline. Not counted in ClinVar's aggregate classification.